The following is an entry in ClinVar:

NM_004415.4(DSP):c.5638A>C (p.Lys1880Gln)

Gene: DSP (desmoplakin; plus strand). Cytogenetic location: 6p24.3.
Variant type: single nucleotide variant.
Coding change: c.5638A>C on transcript NM_004415.4 (MANE Select); coding-DNA position 5638, A replaced by C.
Protein change: p.Lys1880Gln; replaces lysine 1880 with glutamine.
Molecular consequence: missense variant.
Genome position (GRCh38, 1-based): chr6:7,582,900, A>C. VCF-style: chr6-7582900-A-C. GRCh37 (hg19) VCF-style: chr6-7583133-A-C.
Other names: c.3841A>C, p.Lys1281Gln (NM_001008844.3); c.4309A>C, p.Lys1437Gln (NM_001319034.2); short protein forms K1281Q, K1437Q, K1880Q.
Identifiers: ClinVar variation 3070097 (VCV003070097.1), dbSNP rs2533936749, ClinGen allele CA362689070.

ClinVar aggregate classification (germline): Uncertain significance (1 of 4 stars; one submission).

Conditions:
Arrhythmogenic cardiomyopathy with wooly hair and keratoderma. Also called: Carvajal syndrome; PALMOPLANTAR KERATODERMA WITH LEFT VENTRICULAR CARDIOMYOPATHY AND WOOLLY HAIR; Dilated cardiomyopathy with woolly hair and keratoderma; Arrhythmogenic cardiomyopathy with woolly hair and keratoderma. Identifiers: Orphanet 65282, MedGen C1854063, MONDO:0011581, OMIM 605676.

Submission:

All of Us Research Program, National Institutes of Health
Classification: Uncertain significance for Arrhythmogenic cardiomyopathy with wooly hair and keratoderma. Last evaluated: 2023-04-03. Review status: criteria provided, single submitter. Criteria: ACMG Guidelines, 2015. Collection method: clinical testing. Allele origin: germline. Inheritance: Autosomal dominant inheritance. Observed: 1 variant allele, 1 heterozygote.
Comment: This missense variant replaces lysine with glutamine at codon 1880 of the DSP protein. Computational prediction suggests that this variant may not impact protein structure and function (internally defined REVEL score threshold <= 0.5, PMID: 27666373). To our knowledge, functional studies have not been reported for this variant. This variant has not been reported in individuals affected with DSP-related disorders in the literature. This variant has not been identified in the general population by the Genome Aggregation Database (gnomAD). The available evidence is insufficient to determine the role of this variant in disease conclusively. Therefore, this variant is classified as a Variant of Uncertain Significance.

This study involves interpretation of variants in research participants for the purpose of population health screening. Participant phenotype was not available at the time of variant classification. Additional details can be found in publication PMID: 35346344, PMCID: PMC8962531